The following is an entry in ClinVar:

NM_138615.3(DHX30):c.3499G>C (p.Glu1167Gln)

Gene: DHX30 (DExH-box helicase 30; plus strand). Cytogenetic location: 3p21.31.
Variant type: single nucleotide variant.
Coding change: c.3499G>C on transcript NM_138615.3 (MANE Select); coding-DNA position 3499, G replaced by C.
Protein change: p.Glu1167Gln; replaces glutamic acid 1167 with glutamine.
Molecular consequence: missense variant.
Genome position (GRCh38, 1-based): chr3:47,850,034, G>C. VCF-style: chr3-47850034-G-C. GRCh37 (hg19) VCF-style: chr3-47891524-G-C.
Other names: c.3415G>C, p.Glu1139Gln (NM_001330990.2); c.3382G>C, p.Glu1128Gln (NM_014966.4); c.3499G>C (NM_138615.2); short protein forms E1128Q, E1139Q, E1167Q.
Identifiers: ClinVar variation 3336173 (VCV003336173.2).
Genomic context (GRCh38, chr3:47,850,034, plus strand): 5'-CGCATGGTGGAGCGGAGCCTGCGCAGCGAGCTGGCTGCACTTCCCCCCAGCGTACAGGAG[G>C]AGCACGGGCAGCTGCTTGCGCTACTGGCAGAGCTGCTGCGAGGACCCTGTGGCAGCTTTG-3'
Protein context (NP_619520.1, residues 1157-1177): LAALPPSVQE[Glu1167Gln]HGQLLALLAE

ClinVar aggregate classification (germline): Conflicting classifications of pathogenicity. Review status: criteria provided, conflicting classifications (1 of 4 stars). 2 submissions from 2 submitters: Uncertain significance (1); Likely benign (1). Last evaluated 2024-12-02.

gnomAD v4.1: 1 of 1,607,338 alleles (0.000062%); highest among the groups gnomAD compares: Non-Finnish European, 0.000085%; no homozygotes.

Submissions (2):

GeneDx
Classification: Likely benign. Last evaluated: 2024-12-02. Review status: criteria provided, single submitter. Criteria: GeneDx Variant Classification Process June 2021. Collection method: clinical testing. Allele origin: germline. Affected: yes.
Comment: See Variant Classification Assertion Criteria.

Women's Health and Genetics/Laboratory Corporation of America, LabCorp
Classification: Uncertain significance. Last evaluated: 2024-05-06. Review status: criteria provided, single submitter. Criteria: LabCorp Variant Classification Summary - May 2015. Collection method: clinical testing. Allele origin: germline.
Comment: Variant summary: DHX30 c.3499G>C (p.Glu1167Gln) results in a conservative amino acid change in the encoded protein sequence. Four of five in-silico tools predict a benign effect of the variant on protein function. The frequency data for this variant in gnomAD is considered unreliable, as metrics indicate poor data quality at this position. To our knowledge, no occurrence of c.3499G>C in individuals affected with Neurodevelopmental Disorder With Severe Motor Impairment And Absent Language and no experimental evidence demonstrating its impact on protein function have been reported. No submitters have cited clinical-significance assessments for this variant to ClinVar. Based on the evidence outlined above, the variant was classified as uncertain significance.